The following is an entry in ClinVar:

ClinVar aggregate classification (germline): Pathogenic. Review status: no assertion criteria provided (0 of 4 stars). 2 submissions from 2 submitters: Pathogenic (2). Last evaluated 2016-11-21.

Conditions:
Amelogenesis imperfecta, hypomaturation type, IIa6. Identifiers: MedGen C4310665, MONDO:0014971, OMIM 617217.
Amelogenesis imperfecta (AI). Also called: Congenital enamel hypoplasia. Identifiers: Orphanet 88661, MedGen C0002452, MONDO:0019507, HP:0000705.

Submissions (2):

OMIM
Classification: Pathogenic for AMELOGENESIS IMPERFECTA, HYPOMATURATION TYPE, IIA6. Last evaluated: 2016-11-21. Review status: no assertion criteria provided. Collection method: literature only. Allele origin: germline.

Leeds Amelogenesis Imperfecta Research Group, University of Leeds
Classification: Pathogenic for Amelogenesis imperfecta - hypomineralised. Last evaluated: 2016-08-01. Review status: no assertion criteria provided. Collection method: research. Allele origin: germline. Affected: yes.
Comment: 450bp in-frame deletion predicted to delete 4 of the 7 transmembrane helices and to remove 3 of the 6 histidines crucial to the pH sensitivity or structure of the protein

Literature cited by the submitters: PubMed 27693231 (cited by OMIM and Leeds Amelogenesis Imperfecta Research Group, University of Leeds).

NM_001177676.2(GPR68):c.386_835del (p.Phe129_Asn278del)

Gene: GPR68 (G protein-coupled receptor 68; minus strand). Cytogenetic location: 14q32.11.
Variant type: Deletion.
Coding change: c.386_835del on transcript NM_001177676.2 (MANE Select); coding-DNA positions 386 to 835, 450 bases deleted.
Protein change: p.Phe129_Asn278del.
Molecular consequence: inframe deletion.
Genome position (GRCh38, 1-based): chr14:91,234,216-91,234,665, 450 bases deleted. GRCh37 (hg19): chr14:91,700,562-91,701,011.
Other names: c.386_835del, p.Phe129_Asn278del (NM_001348437.1, NM_003485.3).
Identifiers: ClinVar variation 268084 (VCV000268084.2), dbSNP rs1555409827, ClinGen allele CA16040618.